The following is an entry in ClinVar:

NM_001849.4(COL6A2):c.334G>T (p.Gly112Cys)

Gene: COL6A2 (collagen type VI alpha 2 chain; plus strand). Cytogenetic location: 21q22.3.
Variant type: single nucleotide variant.
Coding change: c.334G>T on transcript NM_001849.4 (MANE Select); coding-DNA position 334, G replaced by T.
Protein change: p.Gly112Cys; replaces glycine 112 with cysteine.
Molecular consequence: missense variant.
Genome position (GRCh38, 1-based): chr21:46,112,197, G>T. VCF-style: chr21-46112197-G-T. GRCh37 (hg19) VCF-style: chr21-47532111-G-T.
Other names: c.334G>T, p.Gly112Cys (NM_058174.3, NM_058175.3); short protein forms G112C.
Identifiers: ClinVar variation 1975764 (VCV001975764.6), dbSNP rs2123614910, ClinGen allele CA410520885.

ClinVar aggregate classification (germline): Uncertain significance. Review status: criteria provided, multiple submitters, no conflicts (2 of 4 stars). 2 submissions from 2 submitters: Uncertain significance (2). Last evaluated 2025-01-17.

Conditions:
Bethlem myopathy 1A. Also called: MYOPATHY, BENIGN CONGENITAL, WITH CONTRACTURES; Bethlem myopathy 1; Bethlem Muscular Dystrophy. Identifiers: Orphanet 610, MedGen CN029274, MONDO:0024530, OMIM 158810.

Submissions (2):

Revvity Omics, Revvity
Classification: Uncertain significance. Last evaluated: 2025-01-17. Review status: criteria provided, single submitter. Criteria: ACMG Guidelines, 2015. Collection method: clinical testing. Allele origin: germline.

Labcorp Genetics (formerly Invitae), Labcorp
Classification: Uncertain significance for Bethlem myopathy 1A. Last evaluated: 2022-08-27. Review status: criteria provided, single submitter. Criteria: Invitae Variant Classification Sherloc (09022015). Collection method: clinical testing. Allele origin: germline.
Comment: In summary, the available evidence is currently insufficient to determine the role of this variant in disease. Therefore, it has been classified as a Variant of Uncertain Significance. Advanced modeling of protein sequence and biophysical properties (such as structural, functional, and spatial information, amino acid conservation, physicochemical variation, residue mobility, and thermodynamic stability) performed at Invitae indicates that this missense variant is not expected to disrupt COL6A2 protein function. This variant has not been reported in the literature in individuals affected with COL6A2-related conditions. This variant is not present in population databases (gnomAD no frequency). This sequence change replaces glycine, which is neutral and non-polar, with cysteine, which is neutral and slightly polar, at codon 112 of the COL6A2 protein (p.Gly112Cys).